The following is an entry in ClinVar:

NC_000002.11:g.(?_108604612)_(108614462_?)dup

Gene: SLC5A7 (solute carrier family 5 member 7; plus strand). Cytogenetic location: 2q12.3.
Variant type: Duplication.
Identifiers: ClinVar variation 3247229 (VCV003247229.1).

ClinVar aggregate classification (germline): Uncertain significance (1 of 4 stars; one submission).

Conditions:
Neuronopathy, distal hereditary motor, type 7A. Also called: Neuronopathy, distal hereditary motor, type viia; HARPER-YOUNG MYOPATHY; HMN VIIA; NEURONOPATHY, DISTAL HEREDITARY MOTOR, HARDING TYPE VIIA; NEUROPATHY, DISTAL HEREDITARY MOTOR, HARDING TYPE VIIA; Neuronopathy, distal hereditary motor, autosomal dominant 7. Identifiers: Orphanet 139589, MedGen C1834703, MONDO:0008024, OMIM 158580.
Congenital myasthenic syndrome 20. Also called: Myasthenic syndrome, congenital, 20, presynaptic. Identifiers: MedGen C4310694, MONDO:0014939, OMIM 617143.

Submission:

Labcorp Genetics (formerly Invitae), Labcorp
Classification: Uncertain significance for Neuronopathy, distal hereditary motor, type 7A; Congenital myasthenic syndrome 20. Last evaluated: 2023-08-16. Review status: criteria provided, single submitter. Criteria: Invitae Variant Classification Sherloc (09022015). Collection method: clinical testing. Allele origin: unknown.
Comment: This variant results in a copy number gain of the genomic region encompassing exon(s) 2-5 of the SLC5A7 gene. This region includes the initiator codon of the gene. This copy number gain extends beyond the assayed region for this gene and therefore may encompass additional genes. As the precise location of this event is unknown, it may be in tandem or it may be located elsewhere in the genome. This variant has not been reported in the literature in individuals affected with SLC5A7-related conditions. In summary, the available evidence is currently insufficient to determine the role of this variant in disease. Therefore, it has been classified as a Variant of Uncertain Significance.